The following is an entry in ClinVar:

NM_001388492.1(HTT):c.5834G>A (p.Arg1945Gln)

Gene: HTT (huntingtin; plus strand). Cytogenetic location: 4p16.3.
Variant type: single nucleotide variant.
Coding change: c.5834G>A on transcript NM_001388492.1 (MANE Select); coding-DNA position 5834, G replaced by A.
Protein change: p.Arg1945Gln; replaces arginine 1945 with glutamine.
Molecular consequence: missense variant.
Genome position (GRCh38, 1-based): chr4:3,206,611, G>A. VCF-style: chr4-3206611-G-A. GRCh37 (hg19) VCF-style: chr4-3208338-G-A.
Other names: c.5840G>A, p.Arg1947Gln (NM_002111.8); short protein forms R1945Q, R1947Q.
Identifiers: ClinVar variation 1433827 (VCV001433827.6), dbSNP rs1044635969, ClinGen allele CA91446038.

ClinVar aggregate classification (germline): Uncertain significance (1 of 4 stars; one submission).

Allele frequency attached by ClinVar (database versions not stated): gnomAD exomes below 0.00001.
gnomAD v4.1: 3 of 1,614,066 alleles (0.00019%); highest among the groups gnomAD compares: East Asian, 0.0022%; no homozygotes.

Submission:

Labcorp Genetics (formerly Invitae), Labcorp
Classification: Uncertain significance. Last evaluated: 2021-02-26. Review status: criteria provided, single submitter. Criteria: Invitae Variant Classification Sherloc (09022015). Collection method: clinical testing. Allele origin: germline.
Comment: This sequence change replaces arginine with glutamine at codon 1947 of the HTT protein (p.Arg1947Gln). The arginine residue is highly conserved and there is a small physicochemical difference between arginine and glutamine. This variant is not present in population databases (ExAC no frequency). In summary, the available evidence is currently insufficient to determine the role of this variant in disease. Therefore, it has been classified as a Variant of Uncertain Significance. Experimental studies and prediction algorithms are not available or were not evaluated, and the functional significance of this variant is currently unknown. This variant has not been reported in the literature in individuals with HTT-related conditions.